The following is an entry in ClinVar:

NM_174934.4(SCN4B):c.676del (p.Ser226fs)

Gene: SCN4B (sodium voltage-gated channel beta subunit 4; minus strand). Cytogenetic location: 11q23.3.
Variant type: Deletion.
Coding change: c.676del on transcript NM_174934.4 (MANE Select); coding-DNA position 676, one base deleted (T; older notation c.676delT).
Protein change: p.Ser226fs; shifts the reading frame from serine 226.
Molecular consequence: frameshift variant. On other transcripts: non-coding transcript variant (1).
Genome position (GRCh38, 1-based): chr11:118,137,038, A deleted on the plus strand (T on the coding strand, the reverse complement: SCN4B is on the minus strand); the first of 2 consecutive A bases (chr11:118,137,038-118,137,039); deleting either gives the same sequence. VCF-style (leftmost placement, unchanged base first): chr11-118137037-GA-G. GRCh37 (hg19) VCF-style: chr11-118007752-GA-G.
Other names: c.274del, p.Ser92fs (NM_001142348.2); c.346del, p.Ser116fs (NM_001142349.2); short protein forms S116fs, S92fs, S226fs.
Identifiers: ClinVar variation 2824632 (VCV002824632.3), dbSNP rs2497548700, ClinGen allele CA2739271713.
Genomic context (GRCh38, chr11:118,137,037, plus strand): 5'-TTCATCATCAGAAAGGGGGCTCCCTGCAGCTGCTCAGCCCGAAGCAGGGCTCACACTTTT[GA>G]AGGTGGTTTCTCCTCTGCCTTGGAGCCAGGCAAGCCGTTCTCCGTGTTGTCATTCCCCGA-3'

ClinVar aggregate classification (germline): Uncertain significance (1 of 4 stars; one submission).

Conditions:
Long QT syndrome 10 (LQT10). Identifiers: Orphanet 101016, Orphanet 768, MedGen C2678484, MONDO:0012737, OMIM 611819.

Submission:

Labcorp Genetics (formerly Invitae), Labcorp
Classification: Uncertain significance for Long QT syndrome 10. Last evaluated: 2025-07-28. Review status: criteria provided, single submitter. Criteria: Invitae Variant Classification Sherloc (09022015). Collection method: clinical testing. Allele origin: germline.
Comment: This sequence change is expected to alter the c-terminus of the SCN4B protein (p.Ser226Glnfs*18). While this is not anticipated to result in nonsense mediated decay, it is expected to disrupt the last 3 amino acid(s) of the SCN4B protein and extend the protein by 14 additional amino acid residues. This variant is not present in population databases (gnomAD no frequency). This variant has not been reported in the literature in individuals affected with SCN4B-related conditions. ClinVar contains an entry for this variant (Variation ID: 2824632). Experimental studies and prediction algorithms are not available or were not evaluated, and the functional significance of this variant is currently unknown. In summary, the available evidence is currently insufficient to determine the role of this variant in disease. Therefore, it has been classified as a Variant of Uncertain Significance.